The following is an entry in ClinVar:

ClinVar aggregate classification (germline): Uncertain significance (1 of 4 stars; one submission).

gnomAD v4.1: 4 of 1,604,736 alleles (0.00025%); highest among the groups gnomAD compares: Admixed American, 0.0017%; no homozygotes.

Submission:

Labcorp Genetics (formerly Invitae), Labcorp
Classification: Uncertain significance. Last evaluated: 2025-02-25. Review status: criteria provided, single submitter. Criteria: Invitae Variant Classification Sherloc (09022015). Collection method: clinical testing. Allele origin: germline.
Comment: This sequence change creates a premature translational stop signal (p.Arg155*) in the ABCD3 gene. It is expected to result in an absent or disrupted protein product. However, the current clinical and genetic evidence is not sufficient to establish whether loss-of-function variants in ABCD3 cause disease. This variant is not present in population databases (gnomAD no frequency). This variant has not been reported in the literature in individuals affected with ABCD3-related conditions. Algorithms developed to predict the effect of sequence changes on RNA splicing suggest that this variant may disrupt the consensus splice site. In summary, the available evidence is currently insufficient to determine the role of this variant in disease. Therefore, it has been classified as a Variant of Uncertain Significance.

NM_002858.4(ABCD3):c.463C>T (p.Arg155Ter)

Gene: ABCD3 (ATP binding cassette subfamily D member 3; plus strand). Cytogenetic location: 1p21.3.
Variant type: single nucleotide variant.
Coding change: c.463C>T on transcript NM_002858.4 (MANE Select); coding-DNA position 463, C replaced by T.
Protein change: p.Arg155Ter; replaces arginine 155 with a stop codon.
Molecular consequence: nonsense.
Genome position (GRCh38, 1-based): chr1:94,475,200, C>T. VCF-style: chr1-94475200-C-T. GRCh37 (hg19) VCF-style: chr1-94940756-C-T.
Other names: c.463C>T, p.Arg155Ter (NM_001122674.2); short protein forms R155*.
Identifiers: ClinVar variation 4768793 (VCV004768793.1).